The following is an entry in ClinVar:

NM_003072.5(SMARCA4):c.3287A>G (p.Asn1096Ser)

Gene: SMARCA4 (SWI/SNF related BAF chromatin remodeling complex subunit ATPase 4; plus strand). Cytogenetic location: 19p13.2.
Variant type: single nucleotide variant.
Coding change: c.3287A>G on transcript NM_003072.5 (MANE Select); coding-DNA position 3287, A replaced by G.
Protein change: p.Asn1096Ser; replaces asparagine 1096 with serine.
Molecular consequence: missense variant. On other transcripts: non-coding transcript variant (1).
Genome position (GRCh38, 1-based): chr19:11,027,855, A>G. VCF-style: chr19-11027855-A-G. GRCh37 (hg19) VCF-style: chr19-11138531-A-G.
Other names: c.3287A>G, p.Asn1096Ser (NM_001128844.3, NM_001128848.2, NM_001128849.3 and 5 more transcripts); short protein forms N1096S.
Identifiers: ClinVar variation 537774 (VCV000537774.16), dbSNP rs1354262139, ClinGen allele CA404061519.
Genomic context (GRCh38, chr19:11,027,855, plus strand): 5'-ACCGAGCCTCGGGTAAATTTGAGCTTCTTGATAGAATTCTTCCCAAACTCCGAGCAACCA[A>G]CCACAAAGTGCTGCTGTTCTGCCAAATGACCTCCCTCATGACCATCATGGAAGATTACTT-3'
Protein context (NP_003063.2, residues 1086-1106): DRILPKLRAT[Asn1096Ser]HKVLLFCQMT

ClinVar aggregate classification (germline): Uncertain significance. Review status: criteria provided, multiple submitters, no conflicts (2 of 4 stars). 3 submissions from 3 submitters: Uncertain significance (3). Last evaluated 2025-10-29.

Conditions:
Intellectual disability, autosomal dominant 16 (CSS4). Also called: COFFIN-SIRIS SYNDROME 4. Identifiers: Orphanet 1465, MedGen C3553249, MONDO:0013821, OMIM 614609.
Rhabdoid tumor predisposition syndrome 2 (RTPS2). Identifiers: Orphanet 231108, Orphanet 69077, MedGen C2750074, MONDO:0013224, OMIM 613325.
Hereditary cancer-predisposing syndrome. Also called: Tumor predisposition; Hereditary Cancer Syndrome; Hereditary neoplastic syndrome; Neoplastic Syndromes, Hereditary. Identifiers: Orphanet 140162, MedGen C0027672, MeSH D009386, MONDO:0015356.

Allele frequency attached by ClinVar (database versions not stated): gnomAD exomes below 0.00001.
gnomAD v4.1: 4 of 1,614,078 alleles (0.00025%); highest among the groups gnomAD compares: South Asian, 0.0022%; no homozygotes.

Submissions (3):

Labcorp Genetics (formerly Invitae), Labcorp
Classification: Uncertain significance for Rhabdoid tumor predisposition syndrome 2. Last evaluated: 2025-10-29. Review status: criteria provided, single submitter. Criteria: Invitae Variant Classification Sherloc (09022015). Collection method: clinical testing. Allele origin: germline.
Comment: This sequence change replaces asparagine, which is neutral and polar, with serine, which is neutral and polar, at codon 1096 of the SMARCA4 protein (p.Asn1096Ser). This variant is present in population databases (no rsID available, gnomAD 0.003%). This variant has not been reported in the literature in individuals affected with SMARCA4-related conditions. ClinVar contains an entry for this variant (Variation ID: 537774). An algorithm developed to predict the effect of missense changes on protein structure and function outputs the following: PolyPhen-2: "Benign". The serine amino acid residue is found in multiple mammalian species, which suggests that this missense change does not adversely affect protein function. In summary, the available evidence is currently insufficient to determine the role of this variant in disease. Therefore, it has been classified as a Variant of Uncertain Significance.

Ambry Genetics
Classification: Uncertain significance for Hereditary cancer-predisposing syndrome. Last evaluated: 2024-06-03. Review status: criteria provided, single submitter. Criteria: Ambry Variant Classification Scheme 2023. Collection method: clinical testing. Allele origin: germline.
Comment: The p.N1096S variant (also known as c.3287A>G), located in coding exon 23 of the SMARCA4 gene, results from an A to G substitution at nucleotide position 3287. The asparagine at codon 1096 is replaced by serine, an amino acid with highly similar properties. This amino acid position is not well conserved in available vertebrate species. In addition, this alteration is predicted to be tolerated by in silico analysis. Missense and in-frame variants in SMARCA4 are known to cause neurodevelopmental disorders; however, such associations with rhabdoid tumor predisposition syndrome including small cell carcinoma of the ovary-hypercalcemic type (SCCOHT) are exceedingly rare (Kosho T et al. Am J Med Genet C Semin Med Genet. 2014 Sep;166C(3):262-75; Jelinic P et al. Nat Genet. 2014 May;46(5):424-6). Based on the supporting evidence, the association of this alteration with Coffin-Siris syndrome is unknown; however, the association of this alteration with rhabdoid tumor predisposition syndrome is unlikely.

Genome-Nilou Lab
Classification: Uncertain significance for Intellectual disability, autosomal dominant 16. Last evaluated: 2021-07-15. Review status: criteria provided, single submitter. Criteria: ACMG Guidelines, 2015. Collection method: clinical testing. Allele origin: germline. Affected: no.